The following is an entry in ClinVar:

ClinVar aggregate classification (germline): Benign/Likely benign. Review status: criteria provided, multiple submitters, no conflicts (2 of 4 stars). 6 submissions from 6 submitters: Benign (4); Likely benign (1). 1 of the submissions does not count toward it. Last evaluated 2026-02-02.

Conditions:
Inborn genetic diseases. Identifiers: MedGen C0950123, MeSH D030342.
Mucopolysaccharidosis, MPS-II (MPS2). Also called: Attenuated MPS (subtype; formerly known as mild MPS II); Severe MPS II; I2S deficiency; MPS 2; IDS deficiency; Sulfoiduronate sulfatase deficiency. Identifiers: Orphanet 580, Orphanet 79388, MedGen C0026705, MONDO:0010674, OMIM 309900.

Allele frequency attached by ClinVar (database versions not stated): gnomAD exomes 0.00057 and 0.00129; ExAC 0.00176; gnomAD 0.00513 and 0.00558; 1000 Genomes Project 30x 0.00520; TOPMed 0.00546; 1000 Genomes Project 0.00556; ESP Exome Variant Server 0.00606.

Submissions (6):

Labcorp Genetics (formerly Invitae), Labcorp
Classification: Benign for Mucopolysaccharidosis, MPS-II. Last evaluated: 2026-02-02. Review status: criteria provided, single submitter. Criteria: Invitae Variant Classification Sherloc (09022015). Collection method: clinical testing. Allele origin: germline.

Mayo Clinic Laboratories, Mayo Clinic
Classification: Benign. Last evaluated: 2025-09-26. Review status: criteria provided, single submitter. Criteria: ACMG Guidelines, 2015. Collection method: clinical testing. Allele origin: germline. Observed: 4 variant alleles.
Comment: BA1, BS2, BP4, BP7

Blueprint Genetics
Classification: Likely benign. Last evaluated: 2024-11-06. Review status: criteria provided, single submitter. Criteria: ACMG Guidelines, 2015. Collection method: clinical testing. Allele origin: germline.

Ambry Genetics
Classification: Benign for Inborn genetic diseases. Last evaluated: 2017-07-09. Review status: criteria provided, single submitter. Criteria: Ambry Variant Classification Scheme 2023. Collection method: clinical testing. Allele origin: germline.

Breakthrough Genomics
Classification: Benign. Review status: criteria provided, single submitter. Criteria: ACMG Guidelines, 2015. Collection method: not provided. Allele origin: germline. Inheritance: X-linked inheritance. Affected: yes.

Natera, Inc.
Classification: Benign for Mucopolysaccharidosis type II. Last evaluated: 2020-09-16. Review status: no assertion criteria provided. Collection method: clinical testing. Allele origin: germline. Not counted in ClinVar's aggregate classification.

NM_000202.8(IDS):c.1269C>T (p.Pro423=)

Gene: IDS (iduronate 2-sulfatase; minus strand). Cytogenetic location: Xq28.
Variant type: single nucleotide variant.
Coding change: c.1269C>T on transcript NM_000202.8 (MANE Select); coding-DNA position 1269, C replaced by T.
Protein change: p.Pro423=; no amino-acid change (proline 423 retained).
Molecular consequence: synonymous variant.
Genome position (GRCh38, 1-based): chrX:149,483,130, G>A on the plus strand (C>T on the coding strand, the complement: IDS is on the minus strand). VCF-style: chrX-149483130-G-A. GRCh37 (hg19) VCF-style: chrX-148564661-G-A.
Other names: p.Pro423=; c.999C>T, p.Pro333= (NM_001166550.4).
Identifiers: ClinVar variation 590249 (VCV000590249.58), dbSNP rs61736890, ClinGen allele CA10537469.